The following is an entry in ClinVar:

ClinVar aggregate classification (germline): Uncertain significance (1 of 4 stars; one submission).

Submission:

Ambry Genetics
Classification: Uncertain significance. Last evaluated: 2026-04-20. Review status: criteria provided, single submitter. Criteria: Ambry Variant Classification Scheme 2023. Collection method: clinical testing. Allele origin: germline.
Comment: The p.Q604E variant (also known as c.1810C>G), located in coding exon 1 of the TET2 gene, results from a C to G substitution at nucleotide position 1810. The glutamine at codon 604 is replaced by glutamic acid, an amino acid with highly similar properties. This amino acid position is conserved. In addition, this alteration is predicted to be tolerated by in silico analysis. Based on the available evidence, the clinical significance of this variant remains unclear.

NM_001127208.3(TET2):c.1810C>G (p.Gln604Glu)

Genes: TET2 (tet methylcytosine dioxygenase 2; plus strand), TET2-AS1 (TET2 antisense RNA 1; minus strand). Cytogenetic location: 4q24.
Variant type: single nucleotide variant.
Coding change: c.1810C>G on transcript NM_001127208.3 (MANE Select); coding-DNA position 1810, C replaced by G.
Protein change: p.Gln604Glu; replaces glutamine 604 with glutamic acid.
Molecular consequence: missense variant.
Genome position (GRCh38, 1-based): chr4:105,235,752, C>G. VCF-style: chr4-105235752-C-G. GRCh37 (hg19) VCF-style: chr4-106156909-C-G.
Other names: c.1810C>G, p.Gln604Glu (NM_017628.4); short protein forms Q604E.
Identifiers: ClinVar variation 4865547 (VCV004865547.1).